The following is an entry in ClinVar:

ClinVar aggregate classification (germline): Uncertain significance (1 of 4 stars; one submission).

Conditions:
Familial episodic pain syndrome with predominantly lower limb involvement. Also called: Episodic pain syndrome, familial, 3. Identifiers: Orphanet 391384, Orphanet 391392, MedGen C3809899, MONDO:0014247, OMIM 615552.
Hereditary sensory and autonomic neuropathy type 7. Also called: HSAN VII; Neuropathy, hereditary sensory and autonomic, type VII. Identifiers: Orphanet 391397, MedGen C3809882, MONDO:0014244, OMIM 615548.

Submission:

Labcorp Genetics (formerly Invitae), Labcorp
Classification: Uncertain significance for Familial episodic pain syndrome with predominantly lower limb involvement; Hereditary sensory and autonomic neuropathy type 7. Last evaluated: 2026-01-04. Review status: criteria provided, single submitter. Criteria: Invitae Variant Classification Sherloc (09022015). Collection method: clinical testing. Allele origin: germline.
Comment: This sequence change replaces lysine, which is basic and polar, with threonine, which is neutral and polar, at codon 831 of the SCN11A protein (p.Lys831Thr). This variant is present in population databases (no rsID available, gnomAD 0.01%). This variant has not been reported in the literature in individuals affected with SCN11A-related conditions. Invitae Evidence Modeling of protein sequence and biophysical properties (such as structural, functional, and spatial information, amino acid conservation, physicochemical variation, residue mobility, and thermodynamic stability) indicates that this missense variant is expected to disrupt SCN11A protein function with a positive predictive value of 80%. In summary, the available evidence is currently insufficient to determine the role of this variant in disease. Therefore, it has been classified as a Variant of Uncertain Significance.

NM_001349253.2(SCN11A):c.2492A>C (p.Lys831Thr)

Gene: SCN11A (sodium voltage-gated channel alpha subunit 11; minus strand). Cytogenetic location: 3p22.2.
Variant type: single nucleotide variant.
Coding change: c.2492A>C on transcript NM_001349253.2 (MANE Select); coding-DNA position 2492, A replaced by C.
Protein change: p.Lys831Thr; replaces lysine 831 with threonine.
Molecular consequence: missense variant.
Genome position (GRCh38, 1-based): chr3:38,894,876, T>G on the plus strand (A>C on the coding strand, the complement: SCN11A is on the minus strand). VCF-style: chr3-38894876-T-G. GRCh37 (hg19) VCF-style: chr3-38936367-T-G.
Other names: c.2492A>C, p.Lys831Thr (NM_014139.3); short protein forms K831T.
Identifiers: ClinVar variation 4790594 (VCV004790594.1).